The following is an entry in ClinVar:

ClinVar aggregate classification (germline): Conflicting classifications of pathogenicity. Review status: criteria provided, conflicting classifications (1 of 4 stars). 3 submissions from 3 submitters: Uncertain significance (2); Likely benign (1). Last evaluated 2025-11-10.

Conditions:
Kabuki syndrome. Also called: Kabuki make-up syndrome; NIIKAWA-KUROKI SYNDROME. Identifiers: Orphanet 2322, MedGen C0796004, MONDO:0016512.
KMT2D-related disorder. Also called: KMT2D-Related Disorders.

gnomAD v4.1: 8 of 1,613,552 alleles (0.0005%); highest among the groups gnomAD compares: South Asian, 0.0011%; no homozygotes.

Submissions (3):

PreventionGenetics, part of Exact Sciences
Classification: Uncertain significance for KMT2D-related condition. Last evaluated: 2025-11-10. Review status: criteria provided, single submitter. Criteria: ACMG Guidelines, 2015. Collection method: clinical testing. Allele origin: germline.
Comment: The KMT2D c.7000C>T variant is predicted to result in the amino acid substitution p.Arg2334Trp. To our knowledge, this variant has not been reported in the literature or in a large population database (gnomAD), indicating this variant is rare. Although we suspect that this variant may be benign, at this time, the clinical significance of this variant is uncertain due to the absence of conclusive functional and genetic evidence.

Labcorp Genetics (formerly Invitae), Labcorp
Classification: Likely benign for Kabuki syndrome. Last evaluated: 2024-08-29. Review status: criteria provided, single submitter. Criteria: Invitae Variant Classification Sherloc (09022015). Collection method: clinical testing. Allele origin: germline.

GeneDx
Classification: Uncertain significance. Last evaluated: 2018-05-30. Review status: criteria provided, single submitter. Criteria: GeneDx Variant Classification (06012015). Collection method: clinical testing. Allele origin: germline. Affected: yes.
Comment: The R2334W variant has not been published as a pathogenic variant, nor has it been reported as a benign variant to our knowledge. The R2334W variant is not observed in large population cohorts (Lek et al., 2016). This variant is a non-conservative amino acid substitution, which is likely to impact secondary protein structure as these residues differ in polarity, charge, size and/or other properties. In-silico analyses, including protein predictors and evolutionary conservation, support a deleterious effect.

NM_003482.4(KMT2D):c.7000C>T (p.Arg2334Trp)

Gene: KMT2D (lysine methyltransferase 2D; minus strand). Cytogenetic location: 12q13.12.
Variant type: single nucleotide variant.
Coding change: c.7000C>T on transcript NM_003482.4 (MANE Select); coding-DNA position 7000, C replaced by T.
Protein change: p.Arg2334Trp; replaces arginine 2334 with tryptophan.
Molecular consequence: missense variant.
Genome position (GRCh38, 1-based): chr12:49,040,770, G>A on the plus strand (C>T on the coding strand, the complement: KMT2D is on the minus strand). VCF-style: chr12-49040770-G-A. GRCh37 (hg19) VCF-style: chr12-49434553-G-A.
Other names: short protein forms R2334W.
Identifiers: ClinVar variation 546564 (VCV000546564.6), dbSNP rs1196495584, ClinGen allele CA384749125.